The following is an entry in ClinVar:

ClinVar aggregate classification (germline): Uncertain significance (1 of 4 stars; one submission).

Conditions:
Ichthyosis linearis circumflexa. Identifiers: MedGen C0265962, MONDO:0043106, HP:0025810.

Submission:

Labcorp Genetics (formerly Invitae), Labcorp
Classification: Uncertain significance for Ichthyosis linearis circumflexa. Last evaluated: 2022-05-05. Review status: criteria provided, single submitter. Criteria: Invitae Variant Classification Sherloc (09022015). Collection method: clinical testing. Allele origin: germline.
Comment: In summary, the available evidence is currently insufficient to determine the role of this variant in disease. Therefore, it has been classified as a Variant of Uncertain Significance. Algorithms developed to predict the effect of missense changes on protein structure and function are either unavailable or do not agree on the potential impact of this missense change (SIFT: "Deleterious"; PolyPhen-2: "Probably Damaging"; Align-GVGD: "Class C0"). This variant has not been reported in the literature in individuals affected with SPINK5-related conditions. This variant is not present in population databases (gnomAD no frequency). This sequence change replaces proline, which is neutral and non-polar, with serine, which is neutral and polar, at codon 656 of the SPINK5 protein (p.Pro656Ser).

NM_006846.4(SPINK5):c.1966C>T (p.Pro656Ser)

Gene: SPINK5 (serine peptidase inhibitor Kazal type 5; plus strand). Cytogenetic location: 5q32.
Variant type: single nucleotide variant.
Coding change: c.1966C>T on transcript NM_006846.4 (MANE Select); coding-DNA position 1966, C replaced by T.
Protein change: p.Pro656Ser; replaces proline 656 with serine.
Molecular consequence: missense variant.
Genome position (GRCh38, 1-based): chr5:148,114,440, C>T. VCF-style: chr5-148114440-C-T. GRCh37 (hg19) VCF-style: chr5-147494003-C-T.
Other names: c.1966C>T, p.Pro656Ser (NM_001127698.2, NM_001127699.2); short protein forms P656S.
Identifiers: ClinVar variation 2134160 (VCV002134160.4), dbSNP rs2531771531, ClinGen allele CA361642415.